The following is an entry in ClinVar:

NM_020436.5(SALL4):c.410dup (p.Gly138fs)

Gene: SALL4 (spalt like transcription factor 4; minus strand). Cytogenetic location: 20q13.2.
Variant type: Duplication.
Coding change: c.410dup on transcript NM_020436.5 (MANE Select); coding-DNA position 410, one base duplicated (G; older notation c.410dupG).
Protein change: p.Gly138fs; shifts the reading frame from glycine 138.
Molecular consequence: frameshift variant.
Genome position (GRCh38, 1-based): chr20:51,792,073, C duplicated on the plus strand (G on the coding strand, the reverse complement: SALL4 is on the minus strand); the first of 2 consecutive C bases (chr20:51,792,073-51,792,074); duplicating either gives the same sequence. VCF-style (leftmost placement, unchanged base first): chr20-51792072-G-GC. GRCh37 (hg19) VCF-style: chr20-50408611-G-GC.
Other names: c.410dup (LRG_675t1); c.410dup, p.Gly138fs (NM_001318031.2); short protein forms G138fs.
Identifiers: ClinVar variation 218947 (VCV000218947.2), dbSNP rs879255537, ClinGen allele CA10575834.

ClinVar aggregate classification (germline): Pathogenic (0 of 4 stars; one submission).

Conditions:
Duane-radial ray syndrome (DRRS). Also called: DR SYNDROME; DUANE ANOMALY WITH RADIAL RAY ABNORMALITIES AND DEAFNESS; Duane-Radial Ray Syndrome (DRRS) / Okihiro Syndrome; ACRORENOOCULAR SYNDROME; Duane-Radial Ray Syndrome/Okihiro Syndrome; Okihiro Syndrome. Identifiers: Orphanet 93293, Orphanet 959, MedGen C1623209, MONDO:0011812, OMIM 607323. Disease mechanism: gain of function.

Submission:

Laboratory of Human Genetics, Universidade de São Paulo
Classification: Pathogenic for Duane-radial ray syndrome. Last evaluated: 2015-03-01. Review status: no assertion criteria provided. Collection method: research. Allele origin: maternal. Inheritance: Autosomal dominant inheritance. Affected: yes. Observed: 4 variant alleles, 4 heterozygotes.

Literature cited by the submitters: PubMed 26791099.